The following is an entry in ClinVar:

NM_014339.7(IL17RA):c.1925A>G (p.Glu642Gly)

Gene: IL17RA (interleukin 17 receptor A; plus strand). Cytogenetic location: 22q11.1.
Variant type: single nucleotide variant.
Coding change: c.1925A>G on transcript NM_014339.7 (MANE Select); coding-DNA position 1925, A replaced by G.
Protein change: p.Glu642Gly; replaces glutamic acid 642 with glycine.
Molecular consequence: missense variant.
Genome position (GRCh38, 1-based): chr22:17,109,144, A>G. VCF-style: chr22-17109144-A-G. GRCh37 (hg19) VCF-style: chr22-17590034-A-G.
Other names: c.1823A>G, p.Glu608Gly (NM_001289905.2); short protein forms E608G, E642G.
Identifiers: ClinVar variation 1472084 (VCV001472084.6), dbSNP rs1273182117, ClinGen allele CA410219500.

ClinVar aggregate classification (germline): Uncertain significance (1 of 4 stars; one submission).

Conditions:
Immunodeficiency 51 (IMD51). Also called: CANDIDIASIS, FAMILIAL, 5. Identifiers: Orphanet 1334, MedGen C4310803, MONDO:0013500, OMIM 613953.

Allele frequency attached by ClinVar (database versions not stated): gnomAD exomes below 0.00001 and 0.00001; gnomAD 0.00003; TOPMed 0.00003.
gnomAD v4.1: 7 of 1,536,488 alleles (0.00046%); highest among the groups gnomAD compares: African/African-American, 0.0068%; no homozygotes.

Submission:

Labcorp Genetics (formerly Invitae), Labcorp
Classification: Uncertain significance for Immunodeficiency 51. Last evaluated: 2025-07-14. Review status: criteria provided, single submitter. Criteria: Invitae Variant Classification Sherloc (09022015). Collection method: clinical testing. Allele origin: germline.
Comment: This sequence change replaces glutamic acid, which is acidic and polar, with glycine, which is neutral and non-polar, at codon 642 of the IL17RA protein (p.Glu642Gly). This variant is present in population databases (no rsID available, gnomAD 0.007%). This variant has not been reported in the literature in individuals affected with IL17RA-related conditions. ClinVar contains an entry for this variant (Variation ID: 1472084). Invitae Evidence Modeling of protein sequence and biophysical properties (such as structural, functional, and spatial information, amino acid conservation, physicochemical variation, residue mobility, and thermodynamic stability) indicates that this missense variant is expected to disrupt IL17RA protein function with a positive predictive value of 80%. In summary, the available evidence is currently insufficient to determine the role of this variant in disease. Therefore, it has been classified as a Variant of Uncertain Significance.